The following continues an entry in ClinVar:

NM_000051.4(ATM):c.4375G>A (p.Gly1459Arg)

Gene: ATM. ClinVar aggregate classification (germline): Conflicting classifications of pathogenicity. Uncertain significance (20); Likely benign (1).

Submissions 9 to 22 of 22:

PreventionGenetics, part of Exact Sciences
Classification: Uncertain significance for ATM-related condition. Last evaluated: 2024-12-03. Review status: criteria provided, single submitter. Criteria: ACMG Guidelines, 2015. Collection method: clinical testing. Allele origin: germline.
Comment: The ATM c.4375G>A variant is predicted to result in the amino acid substitution p.Gly1459Arg. This variant has been documented in individuals with suspected Lynch syndrome (Table S2, Yurgelun et al. 2015. PubMed ID: 25980754; Dominguez-Valentin et al. 2018. PubMed ID: 29458332), breast cancer (Table A2, Tung et al. 2016. PubMed ID: 26976419; Additional File 1, Edvardsen et al. 2007. PubMed ID: 17623063), and prostate cancer (Table S4, Karlsson et al. 2021. PubMed ID: 33436325). However, Tavtigian et al. has observed this variant only in the control group in a large case-control-based study on breast cancer (Table S2, Tavtigian et al. 2009. PubMed ID: 19781682). This variant is reported in 0.012% of alleles in individuals of European (Non-Finnish) descent in gnomAD. In ClinVar, it is classified as a variant of uncertain significance. At this time, the clinical significance of this variant is uncertain due to the absence of conclusive functional and genetic evidence.

Blueprint Genetics
Classification: Uncertain significance. Last evaluated: 2024-10-03. Review status: criteria provided, single submitter. Criteria: ACMG Guidelines, 2015. Collection method: clinical testing. Allele origin: germline.

Molecular Pathology, Peter Maccallum Cancer Centre
Classification: Uncertain significance for Ataxia-telangiectasia syndrome. Last evaluated: 2024-09-03. Review status: criteria provided, single submitter. Criteria: ACMG Guidelines, 2015. Collection method: clinical testing. Allele origin: germline. Inheritance: Autosomal recessive inheritance.

St. Jude Molecular Pathology, St. Jude Children's Research Hospital
Classification: Uncertain significance for Ataxia-telangiectasia syndrome. Last evaluated: 2024-08-14. Review status: criteria provided, single submitter. Criteria: St. Jude Assertion Criteria 2020. Collection method: clinical testing. Allele origin: germline.
Comment: The ATM c.4375G>A (p.Gly1459Arg) missense change has a maximum subpopulation frequency of 0.01% in gnomAD v2.1.1. The in silico tool REVEL is inconclusive about a pathogenic or benign effect of this variant on protein function, and functional studies have not been performed. This variant has not been reported in individuals with ataxia telangiectasia. In summary, the evidence currently available is insufficient to determine the clinical significance of this variant. It has therefore been classified as of uncertain significance.

Quest Diagnostics Nichols Institute San Juan Capistrano
Classification: Uncertain significance. Last evaluated: 2024-07-23. Review status: criteria provided, single submitter. Criteria: Quest Diagnostics criteria. Collection method: clinical testing. Allele origin: unknown.

Myriad Genetics, Inc.
Classification: Likely benign for Familial cancer of breast. Last evaluated: 2024-05-17. Review status: criteria provided, single submitter. Criteria: Myriad Autosomal Dominant, Autosomal Recessive and X-Linked Classification Criteria (2023). Collection method: clinical testing. Allele origin: unknown.
Comment: This variant is considered likely benign. This variant is strongly associated with less severe personal and family histories of cancer, typical for individuals without pathogenic variants in this gene [PMID: 25085752].

Fulgent Genetics
Classification: Uncertain significance for Familial cancer of breast; Ataxia-telangiectasia syndrome. Last evaluated: 2024-04-25. Review status: criteria provided, single submitter. Criteria: ACMG Guidelines, 2015. Collection method: clinical testing. Allele origin: germline.

Baylor Genetics
Classification: Uncertain significance for Familial cancer of breast. Last evaluated: 2024-03-21. Review status: criteria provided, single submitter. Criteria: ACMG Guidelines, 2015. Collection method: clinical testing. Allele origin: unknown.

Institute for Biomarker Research, Medical Diagnostic Laboratories, L.L.C.
Classification: Uncertain significance for Hereditary cancer-predisposing syndrome. Last evaluated: 2023-11-28. Review status: criteria provided, single submitter. Criteria: ACMG Guidelines, 2015. Collection method: clinical testing. Allele origin: germline.

Athena Diagnostics
Classification: Uncertain significance. Last evaluated: 2023-04-11. Review status: criteria provided, single submitter. Criteria: Athena Diagnostics Criteria. Collection method: clinical testing. Allele origin: unknown.
Comment: Available data are insufficient to determine the clinical significance of the variant at this time. The frequency of this variant in the general population is uninformative in assessment of its pathogenicity. Computational tools predict that this variant is damaging.

Sema4
Classification: Uncertain significance for Hereditary cancer-predisposing syndrome. Last evaluated: 2021-08-06. Review status: criteria provided, single submitter. Criteria: Sema4 Curation Guidelines. Collection method: curation. Allele origin: germline.
Comment: The ATM c.4375G>A (p.G1459R) variant has been reported in heterozygosity in several individuals with breast cancer (PMID: 17623063, 26976419, 28779002, 30374176, 33471991). The variant has also been reported in patients undergoing testing for Lynch syndrome related diagnoses (PMID: 25980754, 29458332), as well as healthy controls (PMID: 19781682, 33471991, FLOSSIES Database). It was observed in 15/129048 chromosomes of the Non-Finnish European subpopulation, with no homozygotes, in the large and broad cohorts of the Genome Aggregation Database. The variant has been reported in ClinVar (Variation ID 127387). Functional studies have not been performed, and in silico predictions of the variant's effect on protein function are inconclusive. The evidence is insufficient to meet ACMG/AMP criteria for classifying the variant as benign or pathogenic. Thus, the clinical significance of this variant is currently uncertain.

Pittsburgh Clinical Genomics Laboratory, University of Pittsburgh Medical Center
Classification: Uncertain significance for Hereditary Breast and Ovarian Cancer Syndrome. Last evaluated: 2018-10-19. Review status: criteria provided, single submitter. Criteria: ACMG Guidelines, 2015. Collection method: clinical testing. Allele origin: germline. Affected: yes. Observed: 1 variant allele.
Comment: This sequence variant is a single nucleotide substitution (G>A) that results in a glycine to arginine amino acid change at residue 1459 in the ATM protein. This is a previously reported variant (ClinVar) that has been observed in at least one breast cancer patient (PMID 26976419), two patients being tested for Lynch syndrome (PMID 25980754), a patient with familial colorectal cancer (PMID 29458332), and one healthy control with no cancer (PMID 19781682). This variant is rare in control population datasets (gnomAD database, 16/276984 alleles, .006% overall frequency). A meta-analysis in breast cancer patients did not identify any enrichment of this variant in breast cancer cases versus healthy controls (PMID 19781682). The Gly1459 residue is not located in a known functional domain, and studies assessing the effect of this variant on ATM function are not published in the literature, to our knowledge. However, multiple in silico tools queried predict that this glycine to arginine amino acid change would be damaging. The glycine at this position is highly evolutionarily conserved across mammalian species examined. At this time, there is insufficient evidence to determine if this variant is pathogenic or benign. Therefore, we consider the significance of this variant to be uncertain.

Breakthrough Genomics
Classification: Uncertain significance. Review status: criteria provided, single submitter. Criteria: ACMG Guidelines, 2015. Collection method: not provided. Allele origin: germline. Inheritance: Autosomal recessive inheritance. Affected: yes.

Natera, Inc.
Classification: Uncertain significance for Ataxia-telangiectasia. Last evaluated: 2020-09-16. Review status: no assertion criteria provided. Collection method: clinical testing. Allele origin: germline. Not counted in ClinVar's aggregate classification.

Literature cited by the submitters: PubMed 17623063 (cited by 7 submitters); PubMed 25980754 (cited by 8 submitters); PubMed 26976419 (cited by 9 submitters); PubMed 29458332 (cited by 9 submitters); PubMed 30374176 (cited by 6 submitters); PubMed 33436325 (cited by 6 submitters); PubMed 19781682 (cited by 8 submitters); PubMed 26580448 (cited by 4 submitters); PubMed 36315919 (cited by Women's Health and Genetics/Laboratory Corporation of America, LabCorp); PubMed 37097610 (cited by Women's Health and Genetics/Laboratory Corporation of America, LabCorp); PubMed 38781545 (cited by Women's Health and Genetics/Laboratory Corporation of America, LabCorp); PubMed 38136308 (cited by Women's Health and Genetics/Laboratory Corporation of America, LabCorp); PubMed 38522067 (cited by Women's Health and Genetics/Laboratory Corporation of America, LabCorp); PubMed 34488871 (cited by Women's Health and Genetics/Laboratory Corporation of America, LabCorp); PubMed 28714976 (cited by Women's Health and Genetics/Laboratory Corporation of America, LabCorp); PubMed 35098669 (cited by 3 submitters); PubMed 34200508 (cited by Women's Health and Genetics/Laboratory Corporation of America, LabCorp); PubMed 36966138 (cited by Women's Health and Genetics/Laboratory Corporation of America, LabCorp); PubMed 37773632 (cited by Women's Health and Genetics/Laboratory Corporation of America, LabCorp); PubMed 28779002 (cited by 5 submitters); PubMed 33471991 (cited by 5 submitters); PubMed 32371905 (cited by Department of Pathology and Laboratory Medicine, Sinai Health System and Athena Diagnostics); PubMed 25085752 (cited by Myriad Genetics, Inc.).